The following is an entry in ClinVar:

ClinVar aggregate classification (germline): Uncertain significance (1 of 4 stars; one submission).

Allele frequency attached by ClinVar (database versions not stated): TOPMed below 0.00001; gnomAD 0.00001.
gnomAD v4.1: 1 of 1,610,424 alleles (0.000062%); highest among the groups gnomAD compares: African/African-American, 0.0013%; no homozygotes.

Submission:

Labcorp Genetics (formerly Invitae), Labcorp
Classification: Uncertain significance. Last evaluated: 2022-08-12. Review status: criteria provided, single submitter. Criteria: Invitae Variant Classification Sherloc (09022015). Collection method: clinical testing. Allele origin: germline.
Comment: Algorithms developed to predict the effect of missense changes on protein structure and function are either unavailable or do not agree on the potential impact of this missense change (SIFT: "Tolerated"; PolyPhen-2: "Probably Damaging"; Align-GVGD: "Class C0"). This variant has not been reported in the literature in individuals affected with DMXL2-related conditions. This variant is not present in population databases (gnomAD no frequency). This sequence change replaces phenylalanine, which is neutral and non-polar, with leucine, which is neutral and non-polar, at codon 892 of the DMXL2 protein (p.Phe892Leu). In summary, the available evidence is currently insufficient to determine the role of this variant in disease. Therefore, it has been classified as a Variant of Uncertain Significance.

NM_001378457.1(DMXL2):c.2676C>G (p.Phe892Leu)

Gene: DMXL2 (Dmx like 2; minus strand). Cytogenetic location: 15q21.2.
Variant type: single nucleotide variant.
Coding change: c.2676C>G on transcript NM_001378457.1 (MANE Select); coding-DNA position 2676, C replaced by G.
Protein change: p.Phe892Leu; replaces phenylalanine 892 with leucine.
Molecular consequence: missense variant. On other transcripts: non-coding transcript variant (2).
Genome position (GRCh38, 1-based): chr15:51,507,222, G>C on the plus strand (C>G on the coding strand, the complement: DMXL2 is on the minus strand). VCF-style: chr15-51507222-G-C. GRCh37 (hg19) VCF-style: chr15-51799419-G-C.
Other names: c.2676C>G, p.Phe892Leu (NM_001174116.3, NM_001174117.3, NM_001378458.1 and 6 more transcripts); c.2436C>G, p.Phe812Leu (NM_001378464.1); short protein forms F812L, F892L.
Identifiers: ClinVar variation 1716225 (VCV001716225.5), dbSNP rs151009340, ClinGen allele CA392439375.
Genomic context (GRCh38, chr15:51,507,222, plus strand): 5'-AAGGTGCCACATATGCAGAATAGAGTTATTATTGCTGTCCTTCTCAATTACTACTAGAAA[G>C]AACTTTTCTGAAAATGGTGGTGGGCGGTATCCTATTATTCAAAGGAAAAGGATATTTAAA-3'
Protein context (NP_001365386.1, residues 882-902): GYRPPPFSEK[Phe892Leu]FLVVIEKDSN